The following is an entry in ClinVar:

ClinVar aggregate classification (germline): Uncertain significance (1 of 4 stars; one submission).

gnomAD v4.1: 11 of 1,612,458 alleles (0.00068%); highest among the groups gnomAD compares: Non-Finnish European, 0.00093%; no homozygotes.

Submission:

GeneDx
Classification: Uncertain significance. Last evaluated: 2026-09-30. Review status: criteria provided, single submitter. Criteria: GeneDx Variant Classification Process June 2021. Collection method: clinical testing. Allele origin: germline.
Comment: Not observed at significant frequency in large population cohorts (gnomAD); In silico analysis supports that this missense variant has a deleterious effect on protein structure/function; In silico analysis supports a deleterious effect on splicing; Has not been previously published as pathogenic or benign to our knowledge

NM_018426.3(TMEM63B):c.1520G>A (p.Arg507His)

Gene: TMEM63B (transmembrane protein 63B; plus strand). Cytogenetic location: 6p21.1.
Variant type: single nucleotide variant.
Coding change: c.1520G>A on transcript NM_018426.3 (MANE Select); coding-DNA position 1520, G replaced by A.
Protein change: p.Arg507His; replaces arginine 507 with histidine.
Molecular consequence: missense variant.
Genome position (GRCh38, 1-based): chr6:44,149,965, G>A. VCF-style: chr6-44149965-G-A. GRCh37 (hg19) VCF-style: chr6-44117702-G-A.
Other names: c.1520G>A, p.Arg507His (NM_001318792.1); short protein forms R507H.
Identifiers: ClinVar variation 4686885 (VCV004686885.2).